The following is an entry in ClinVar:

NM_000435.3(NOTCH3):c.3871C>G (p.Arg1291Gly)

Gene: NOTCH3 (notch receptor 3; minus strand). Cytogenetic location: 19p13.12.
Variant type: single nucleotide variant.
Coding change: c.3871C>G on transcript NM_000435.3 (MANE Select); coding-DNA position 3871, C replaced by G.
Protein change: p.Arg1291Gly; replaces arginine 1291 with glycine.
Molecular consequence: missense variant.
Genome position (GRCh38, 1-based): chr19:15,178,057, G>C on the plus strand (C>G on the coding strand, the complement: NOTCH3 is on the minus strand). VCF-style: chr19-15178057-G-C. GRCh37 (hg19) VCF-style: chr19-15288868-G-C.
Other names: short protein forms R1291G.
Identifiers: ClinVar variation 1488094 (VCV001488094.8), dbSNP rs2046807463, ClinGen allele CA404506663.

ClinVar aggregate classification (germline): Uncertain significance (1 of 4 stars; one submission).

Allele frequency attached by ClinVar (database versions not stated): TOPMed below 0.00001.
gnomAD v4.1: 2 of 1,519,916 alleles (0.00013%); highest among the groups gnomAD compares: Non-Finnish European, 0.00018%; no homozygotes.

Submission:

Labcorp Genetics (formerly Invitae), Labcorp
Classification: Uncertain significance. Last evaluated: 2024-10-09. Review status: criteria provided, single submitter. Criteria: Invitae Variant Classification Sherloc (09022015). Collection method: clinical testing. Allele origin: germline.
Comment: This sequence change replaces arginine, which is basic and polar, with glycine, which is neutral and non-polar, at codon 1291 of the NOTCH3 protein (p.Arg1291Gly). This variant is not present in population databases (gnomAD no frequency). This variant has not been reported in the literature in individuals affected with NOTCH3-related conditions. ClinVar contains an entry for this variant (Variation ID: 1488094). Invitae Evidence Modeling of protein sequence and biophysical properties (such as structural, functional, and spatial information, amino acid conservation, physicochemical variation, residue mobility, and thermodynamic stability) indicates that this missense variant is not expected to disrupt NOTCH3 protein function with a negative predictive value of 95%. In summary, the available evidence is currently insufficient to determine the role of this variant in disease. Therefore, it has been classified as a Variant of Uncertain Significance.